The following is an entry in ClinVar:

NM_004082.5(DCTN1):c.588C>G (p.Ile196Met)

Gene: DCTN1 (dynactin subunit 1; minus strand). Cytogenetic location: 2p13.1.
Variant type: single nucleotide variant.
Coding change: c.588C>G on transcript NM_004082.5 (MANE Select); coding-DNA position 588, C replaced by G.
Protein change: p.Ile196Met; replaces isoleucine 196 with methionine.
Molecular consequence: missense variant. On other transcripts: non-coding transcript variant (1).
Genome position (GRCh38, 1-based): chr2:74,371,594, G>C on the plus strand (C>G on the coding strand, the complement: DCTN1 is on the minus strand). VCF-style: chr2-74371594-G-C. GRCh37 (hg19) VCF-style: chr2-74598721-G-C.
Other names: c.537C>G, p.Ile179Met (NM_001378991.1); c.519C>G, p.Ile173Met (NM_001378992.1); c.186C>G, p.Ile62Met (NM_023019.4, NM_001135041.3); c.528C>G, p.Ile176Met (NM_001135040.3); c.477C>G, p.Ile159Met (NM_001190836.2); c.567C>G, p.Ile189Met (NM_001190837.2); short protein forms I159M, I173M, I176M, I179M, I189M, I196M, I62M.
Identifiers: ClinVar variation 3761080 (VCV003761080.2).

ClinVar aggregate classification (germline): Uncertain significance (1 of 4 stars; one submission).

Conditions:
Amyotrophic lateral sclerosis type 1 (ALS1). Also called: AMYOTROPHIC LATERAL SCLEROSIS 1, FAMILIAL. Identifiers: Orphanet 803, MedGen C1862939, MONDO:0007103, OMIM 105400.
Neuronopathy, distal hereditary motor, type 7B. Also called: HMN VIIB; LOWER MOTOR NEURON DISEASE, DYNACTIN TYPE; NEURONOPATHY, DISTAL HEREDITARY MOTOR, AUTOSOMAL DOMINANT 14; NEURONOPATHY, DISTAL HEREDITARY MOTOR, HARDING TYPE VIIB; NEUROPATHY, DISTAL HEREDITARY MOTOR, HARDING TYPE VIIB; NEUROPATHY, DISTAL HEREDITARY MOTOR, WITH VOCAL CORD PARALYSIS, HARDING TYPE VIIB. Identifiers: Orphanet 139589, MedGen C1843315, MONDO:0011879, OMIM 607641.
Perry syndrome. Also called: PARKINSONISM WITH ALVEOLAR HYPOVENTILATION AND MENTAL DEPRESSION. Identifiers: Orphanet 178509, MedGen C1868594, MONDO:0008201, OMIM 168605.

Submission:

Labcorp Genetics (formerly Invitae), Labcorp
Classification: Uncertain significance for Amyotrophic lateral sclerosis type 1; Neuronopathy, distal hereditary motor, type 7B; Perry syndrome. Last evaluated: 2024-06-29. Review status: criteria provided, single submitter. Criteria: Invitae Variant Classification Sherloc (09022015). Collection method: clinical testing. Allele origin: germline.
Comment: This sequence change replaces isoleucine, which is neutral and non-polar, with methionine, which is neutral and non-polar, at codon 196 of the DCTN1 protein (p.Ile196Met). The frequency data for this variant in the population databases is considered unreliable, as metrics indicate poor data quality at this position in the gnomAD database. This variant has not been reported in the literature in individuals affected with DCTN1-related conditions. Advanced modeling of protein sequence and biophysical properties (such as structural, functional, and spatial information, amino acid conservation, physicochemical variation, residue mobility, and thermodynamic stability) performed at Invitae indicates that this missense variant is not expected to disrupt DCTN1 protein function with a negative predictive value of 80%. In summary, the available evidence is currently insufficient to determine the role of this variant in disease. Therefore, it has been classified as a Variant of Uncertain Significance.